The following is an entry in ClinVar:

ClinVar aggregate classification (germline): Likely benign (1 of 4 stars; one submission).

Conditions:
ZBTB47-related condition.

Submission:

PreventionGenetics, part of Exact Sciences
Classification: Likely benign for ZBTB47-related condition. Last evaluated: 2025-02-10. Review status: criteria provided, single submitter. Criteria: ACMG Guidelines, 2015. Collection method: clinical testing. Allele origin: germline.
Comment: This variant is classified as likely benign based on ACMG/AMP sequence variant interpretation guidelines (Richards et al. 2015 PMID: 25741868, with internal and published modifications).

NM_145166.4(ZBTB47):c.900GGA[5] (p.Glu307del)

Gene: ZBTB47 (zinc finger and BTB domain containing 47; plus strand). Cytogenetic location: 3p22.1.
Variant type: Microsatellite.
Coding change: c.900GGA[5] on transcript NM_145166.4 (MANE Select); five copies in a row of the 3-base unit GGA starting at c.900; the reference has six copies in a row; one copy, 3 bases deleted.
Protein change: p.Glu307del; deletes glutamic acid 307.
Molecular consequence: inframe deletion.
Genome position (GRCh38, 1-based): chr3:42,659,270-42,659,272, GGA deleted; deleting any 3 consecutive bases within chr3:42,659,255-42,659,272 gives the same sequence; the position shown is the placement nearest the transcript's 3' end. VCF-style (leftmost placement, unchanged base first): chr3-42659254-GGGA-G. GRCh37 (hg19) VCF-style: chr3-42700746-GGGA-G.
Other names: c.984GGA[5], p.Glu335del (NM_001410746.1); short protein forms E335del, E307del.
Identifiers: ClinVar variation 4980227 (VCV004980227.1).